The following is an entry in ClinVar:

ClinVar aggregate classification (germline): Pathogenic. Review status: criteria provided, multiple submitters, no conflicts (2 of 4 stars). 3 submissions from 3 submitters: Pathogenic (3). Last evaluated 2024-06-21.

Conditions:
X-linked Alport syndrome (ATS1). Also called: COL4A5-Related Nephropathy; NEPHROPATHY AND DEAFNESS, X-LINKED. Identifiers: Orphanet 63, Orphanet 88917, MedGen C4746986, MONDO:0010520, OMIM 301050.
COL4A5-related disorders.

gnomAD v4.1: 1 of 1,208,975 alleles (0.000083%); no homozygotes.

Submissions (3):

Fulgent Genetics
Classification: Pathogenic for X-linked Alport syndrome. Last evaluated: 2024-06-21. Review status: criteria provided, single submitter. Criteria: ACMG Guidelines, 2015. Collection method: clinical testing. Allele origin: germline.

Labcorp Genetics (formerly Invitae), Labcorp
Classification: Pathogenic. Last evaluated: 2024-01-26. Review status: criteria provided, single submitter. Criteria: Invitae Variant Classification Sherloc (09022015). Collection method: clinical testing. Allele origin: germline.
Comment: This sequence change replaces glycine, which is neutral and non-polar, with serine, which is neutral and polar, at codon 1164 of the COL4A5 protein (p.Gly1164Ser). This variant is not present in population databases (gnomAD no frequency). This variant has not been reported in the literature in individuals affected with COL4A5-related conditions. Advanced modeling of protein sequence and biophysical properties (such as structural, functional, and spatial information, amino acid conservation, physicochemical variation, residue mobility, and thermodynamic stability) performed at Invitae indicates that this missense variant is expected to disrupt COL4A5 protein function with a positive predictive value of 95%. This variant disrupts the triple helix domain of COL4A5. Glycine residues within the Gly-Xaa-Yaa repeats of the triple helix domain are required for the structure and stability of fibrillar collagens (PMID: 7695699, 8218237, 19344236). In COL4A5, missense variants at these glycine residues are significantly enriched in individuals with disease (PMID: 23720012, 27627812) compared to the general population (ExAC). This variant disrupts the p.Gly1164 amino acid residue in COL4A5. Other variant(s) that disrupt this residue have been observed in individuals with COL4A5-related conditions (PMID: 24304881, 29270492), which suggests that this may be a clinically significant amino acid residue. For these reasons, this variant has been classified as Pathogenic.

Blueprint Genetics
Classification: Pathogenic for COL4A5-related disorders. Last evaluated: 2022-05-18. Review status: criteria provided, single submitter. Criteria: ACMG Guidelines, 2015. Collection method: clinical testing. Allele origin: germline. Affected: yes. Observed: 5 variant alleles.

Literature cited by the submitters: PubMed 7695699 (cited by Labcorp Genetics (formerly Invitae), Labcorp); PubMed 8218237 (cited by Labcorp Genetics (formerly Invitae), Labcorp); PubMed 19344236 (cited by Labcorp Genetics (formerly Invitae), Labcorp); PubMed 23720012 (cited by Labcorp Genetics (formerly Invitae), Labcorp); PubMed 27627812 (cited by Labcorp Genetics (formerly Invitae), Labcorp); PubMed 24304881 (cited by Labcorp Genetics (formerly Invitae), Labcorp); PubMed 29270492 (cited by Labcorp Genetics (formerly Invitae), Labcorp).

NM_033380.3(COL4A5):c.3490G>A (p.Gly1164Ser)

Gene: COL4A5 (collagen type IV alpha 5 chain; plus strand). Cytogenetic location: Xq22.3.
Variant type: single nucleotide variant.
Coding change: c.3490G>A on transcript NM_033380.3 (MANE Select); coding-DNA position 3490, G replaced by A.
Protein change: p.Gly1164Ser; replaces glycine 1164 with serine.
Molecular consequence: missense variant.
Genome position (GRCh38, 1-based): chrX:108,666,531, G>A. VCF-style: chrX-108666531-G-A. GRCh37 (hg19) VCF-style: chrX-107909761-G-A.
Other names: c.3490G>A, p.Gly1164Ser (NM_000495.5); short protein forms G1164S.
Identifiers: ClinVar variation 3597961 (VCV003597961.4).